The following is an entry in ClinVar:

NM_016203.4(PRKAG2):c.538T>C (p.Tyr180His)

Gene: PRKAG2 (protein kinase AMP-activated non-catalytic subunit gamma 2; minus strand). Cytogenetic location: 7q36.1.
Variant type: single nucleotide variant.
Coding change: c.538T>C on transcript NM_016203.4 (MANE Select); coding-DNA position 538, T replaced by C.
Protein change: p.Tyr180His; replaces tyrosine 180 with histidine.
Molecular consequence: missense variant. On other transcripts: intron variant (5).
Genome position (GRCh38, 1-based): chr7:151,675,566, A>G on the plus strand (T>C on the coding strand, the complement: PRKAG2 is on the minus strand). VCF-style: chr7-151675566-A-G. GRCh37 (hg19) VCF-style: chr7-151372652-A-G.
Other names: c.406T>C, p.Tyr136His (NM_001040633.2, NM_001407024.1, NM_001407026.1 and 1 more transcripts); c.166T>C, p.Tyr56His (NM_001304527.2, NM_001363698.2, NM_001407028.1 and 1 more transcripts); c.538T>C, p.Tyr180His (NM_001407021.1, NM_001407022.1, NM_001407023.1); c.220T>C, p.Tyr74His (NM_001407032.1); c.467-80115T>C (NM_001407031.1); c.467-80112T>C (NM_001407030.1); c.361-43428T>C (NM_001407033.1); c.94+60334T>C (NM_001407037.1); and 1 more; short protein forms Y136H, Y180H, Y56H, Y74H.
Identifiers: ClinVar variation 3069642 (VCV003069642.1), dbSNP rs2537256846, ClinGen allele CA370188015.

ClinVar aggregate classification (germline): Uncertain significance (1 of 4 stars; one submission).

Conditions:
Hypertrophic cardiomyopathy. Also called: HYPERTROPHIC MYOCARDIOPATHY. Identifiers: Orphanet 217569, MedGen C0007194, MeSH D002312, MONDO:0005045, HP:0001639.

Submission:

All of Us Research Program, National Institutes of Health
Classification: Uncertain significance for Hypertrophic cardiomyopathy. Last evaluated: 2023-02-24. Review status: criteria provided, single submitter. Criteria: ACMG Guidelines, 2015. Collection method: clinical testing. Allele origin: germline. Inheritance: Autosomal dominant inheritance. Observed: 1 variant allele, 1 heterozygote.
Comment: This missense variant replaces tyrosine with histidine at codon 180 of the PRKAG2 protein. Computational prediction is inconclusive regarding the impact of this variant on protein structure and function (internally defined REVEL score threshold 0.5 < inconclusive < 0.7, PMID: 27666373). To our knowledge, functional studies have not been reported for this variant. This variant has not been reported in individuals affected with PRKAG2-related disorders in the literature. This variant has not been identified in the general population by the Genome Aggregation Database (gnomAD). The available evidence is insufficient to determine the role of this variant in disease conclusively. Therefore, this variant is classified as a Variant of Uncertain Significance.

This study involves interpretation of variants in research participants for the purpose of population health screening. Participant phenotype was not available at the time of variant classification. Additional details can be found in publication PMID: 35346344, PMCID: PMC8962531